The following is an entry in ClinVar:

ClinVar aggregate classification (germline): Uncertain significance (1 of 4 stars; one submission).

Conditions:
Hereditary cancer-predisposing syndrome. Also called: Tumor predisposition; Hereditary neoplastic syndrome; Neoplastic Syndromes, Hereditary; Hereditary Cancer Syndrome. Identifiers: Orphanet 140162, MedGen C0027672, MeSH D009386, MONDO:0015356.

Submission:

Ambry Genetics
Classification: Uncertain significance for Hereditary cancer-predisposing syndrome. Last evaluated: 2025-04-01. Review status: criteria provided, single submitter. Criteria: Ambry Variant Classification Scheme 2023. Collection method: clinical testing. Allele origin: germline.
Comment: The c.755_756delGTinsTG variant (also known as p.R252L), located in coding exon 9 of the BAP1 gene, results from an in-frame deletion of GT and insertion of TG at nucleotide positions 755 to 756. This results in the substitution of the arginine residue for a leucine residue at codon 252, an amino acid with dissimilar properties. This amino acid position is highly conserved in available vertebrate species. In addition, the in silico prediction for this alteration is inconclusive (Choi Y et al. PLoS ONE. 2012; 7(10):e46688). Based on the available evidence, the clinical significance of this variant remains unclear.

NM_004656.4(BAP1):c.755_756delinsTG (p.Arg252Leu)

Gene: BAP1 (BRCA1 associated deubiquitinase 1; minus strand). Cytogenetic location: 3p21.1.
Variant type: Indel.
Coding change: c.755_756delinsTG on transcript NM_004656.4 (MANE Select); coding-DNA positions 755 to 756, GT replaced by TG.
Protein change: p.Arg252Leu; replaces arginine 252 with leucine.
Molecular consequence: missense variant.
Genome position (GRCh38, 1-based): chr3:52,406,280-52,406,281, AC replaced by CA on the plus strand (GT replaced by TG on the coding strand, the reverse complement: BAP1 is on the minus strand). VCF-style: chr3-52406280-AC-CA. GRCh37 (hg19) VCF-style: chr3-52440296-AC-CA.
Other names: c.701_702delinsTG, p.Arg234Leu (NM_001410772.1); short protein forms R252L, R234L.
Identifiers: ClinVar variation 3986708 (VCV003986708.1).
Genomic context (GRCh38, chr3:52,406,280, plus strand): 5'-GCTGGGCAGAGGCCAGGAAGAAAGGGCACCTACCTGCTGCAGAGCCTCTAGTACTGTCTG[AC>CA]GGTTCACCTTCAGCACATGCAGCCTGGCCTCATACTTGATCCTGCGGTCGGGCACCACTG-3'
Protein context (NP_004647.1, residues 242-262): EARLHVLKVN[Arg252Leu]QTVLEALQQL